The following is an entry in ClinVar:

NM_004530.6(MMP2):c.38C>G (p.Pro13Arg)

Gene: MMP2 (matrix metallopeptidase 2; plus strand). Cytogenetic location: 16q12.2.
Variant type: single nucleotide variant.
Coding change: c.38C>G on transcript NM_004530.6 (MANE Select); coding-DNA position 38, C replaced by G.
Protein change: p.Pro13Arg; replaces proline 13 with arginine.
Molecular consequence: missense variant. On other transcripts: intron variant (1).
Genome position (GRCh38, 1-based): chr16:55,479,517, C>G. VCF-style: chr16-55479517-C-G. GRCh37 (hg19) VCF-style: chr16-55513429-C-G.
Other names: c.-76+552C>G (NM_001302508.1); short protein forms P13R.
Identifiers: ClinVar variation 888242 (VCV000888242.12), dbSNP rs1183157128, ClinGen allele CA395930465.

ClinVar aggregate classification (germline): Uncertain significance. Review status: criteria provided, multiple submitters, no conflicts (2 of 4 stars). 2 submissions from 2 submitters: Uncertain significance (2). Last evaluated 2023-07-28.

Conditions:
Multicentric osteolysis nodulosis arthropathy spectrum. Identifiers: Orphanet 3460, Orphanet 371428, MedGen C1850155, MONDO:0018298.

gnomAD v4.1: 22 of 1,603,656 alleles (0.0014%); highest among the groups gnomAD compares: Non-Finnish European, 0.0019%; no homozygotes.

Submissions (2):

Labcorp Genetics (formerly Invitae), Labcorp
Classification: Uncertain significance. Last evaluated: 2023-07-28. Review status: criteria provided, single submitter. Criteria: Invitae Variant Classification Sherloc (09022015). Collection method: clinical testing. Allele origin: germline.
Comment: ClinVar contains an entry for this variant (Variation ID: 888242). An algorithm developed to predict the effect of missense changes on protein structure and function (PolyPhen-2) suggests that this variant is likely to be tolerated. This sequence change replaces proline, which is neutral and non-polar, with arginine, which is basic and polar, at codon 13 of the MMP2 protein (p.Pro13Arg). This variant is not present in population databases (gnomAD no frequency). This variant has not been reported in the literature in individuals affected with MMP2-related conditions. In summary, the available evidence is currently insufficient to determine the role of this variant in disease. Therefore, it has been classified as a Variant of Uncertain Significance.

Illumina Laboratory Services, Illumina
Classification: Uncertain significance for Multicentric osteolysis, nodulosis, and arthropathy. Last evaluated: 2018-01-13. Review status: criteria provided, single submitter. Criteria: ICSL Variant Classification Criteria 13 December 2019. Collection method: clinical testing. Allele origin: germline.